The following is an entry in ClinVar:

ClinVar aggregate classification (germline): Uncertain significance (0 of 4 stars; one submission).

Conditions:
NRP2-related disorder. Also called: NRP2-related condition.

Submission:

PreventionGenetics, part of Exact Sciences
Classification: Uncertain significance for NRP2-related condition. Last evaluated: 2024-05-28. Review status: no assertion criteria provided. Collection method: clinical testing. Allele origin: germline.
Comment: The NRP2 c.181G>A variant is predicted to result in the amino acid substitution p.Ala61Thr. To our knowledge, this variant has not been reported in the literature. This variant is reported in 0.0029% of alleles in individuals of Latino descent in gnomAD. At this time, the clinical significance of this variant is uncertain due to the absence of conclusive functional and genetic evidence.

NM_003872.3(NRP2):c.181G>A (p.Ala61Thr)

Gene: NRP2 (neuropilin 2; plus strand). Cytogenetic location: 2q33.3.
Variant type: single nucleotide variant.
Coding change: c.181G>A on transcript NM_003872.3 (MANE Select); coding-DNA position 181, G replaced by A.
Protein change: p.Ala61Thr; replaces alanine 61 with threonine.
Molecular consequence: missense variant.
Genome position (GRCh38, 1-based): chr2:205,697,651, G>A. VCF-style: chr2-205697651-G-A. GRCh37 (hg19) VCF-style: chr2-206562375-G-A.
Other names: c.181G>A, p.Ala61Thr (NM_018534.4, NM_201264.2, NM_201266.2 and 2 more transcripts); short protein forms A61T.
Identifiers: ClinVar variation 3347054 (VCV003347054.1).
Genomic context (GRCh38, chr2:205,697,651, plus strand): 5'-ACCTCTCCCGGTTACCCCCAGGACTACCCCTCCCACCAGAACTGCGAGTGGATTGTTTAC[G>A]CCCCCGAACCCAACCAGAAGATTGTCCTCAACTTCAACCCTCACTTTGAAATCGAGAAGC-3'
Protein context (NP_003863.2, residues 51-71): SHQNCEWIVY[Ala61Thr]PEPNQKIVLN